The following is an entry in ClinVar:

ClinVar aggregate classification (germline): Pathogenic (1 of 4 stars; one submission).

Submission:

GeneDx
Classification: Pathogenic. Last evaluated: 2015-07-07. Review status: criteria provided, single submitter. Criteria: GeneDx Variant Classification (06012015). Collection method: clinical testing. Allele origin: germline. Affected: yes.
Comment: This deletion of one nucleotide in PALB2 is denoted c.2275delC at the cDNA level and p.Gln759AsnfsX5 (Q759NfsX5) at the protein level. The normal sequence, with the base that is deleted in braces, is ACCC[C]AACT. The deletion causes a frameshift, which changes a Glutamine to an Asparagine at codon 759, and creates a premature stop codon at position 5 of the new reading frame. Although this variant has not, to our knowledge, been reported in the literature, it is predicted to cause loss of normal protein function through either protein truncation or nonsense-mediated mRNA decay. we consider this variant to be pathogenic.

NM_024675.4(PALB2):c.2275del (p.Gln759fs)

Gene: PALB2 (partner and localizer of BRCA2; minus strand). Cytogenetic location: 16p12.2.
Variant type: Deletion.
Coding change: c.2275del on transcript NM_024675.4 (MANE Select); coding-DNA position 2275, one base deleted (C; older notation c.2275delC).
Protein change: p.Gln759fs; shifts the reading frame from glutamine 759.
Molecular consequence: frameshift variant.
Genome position (GRCh38, 1-based): chr16:23,629,879, G deleted on the plus strand (C on the coding strand, the reverse complement: PALB2 is on the minus strand); the first of 4 consecutive G bases (chr16:23,629,879-23,629,882); deleting any one gives the same sequence. VCF-style (leftmost placement, unchanged base first): chr16-23629878-TG-T. GRCh37 (hg19) VCF-style: chr16-23641199-TG-T.
Other names: c.2275delC (NM_024675.3); short protein forms Q759fs.
Identifiers: ClinVar variation 419373 (VCV000419373.2), dbSNP rs1064793827, ClinGen allele CA16620136.
Genomic context (GRCh38, chr16:23,629,878, plus strand): 5'-GAACTGTCGAATTGTTTAGTATCACTGGCAAGACAGACTGAGTCTTTCAAATGAGCAAGT[TG>T]GGGTGTGCAGCAAGTTCGTCCAGCAACTTCTGTAGATGCTTTTTCATAGGAGCCTTGAGG-3'